The following is an entry in ClinVar:

NM_001165963.4(SCN1A):c.1087A>C (p.Thr363Pro)

Gene: SCN1A (sodium voltage-gated channel alpha subunit 1; minus strand). Cytogenetic location: 2q24.3.
Variant type: single nucleotide variant.
Coding change: c.1087A>C on transcript NM_001165963.4 (MANE Select); coding-DNA position 1087, A replaced by C.
Protein change: p.Thr363Pro; replaces threonine 363 with proline.
Molecular consequence: missense variant. On other transcripts: 5 prime UTR variant (1), non-coding transcript variant (1).
Genome position (GRCh38, 1-based): chr2:166,047,710, T>G on the plus strand (A>C on the coding strand, the complement: SCN1A is on the minus strand). VCF-style: chr2-166047710-T-G. GRCh37 (hg19) VCF-style: chr2-166904220-T-G.
Other names: c.1087A>C, p.Thr363Pro (NM_001165964.3, NM_001202435.3, NM_001353948.2 and 10 more transcripts); c.-1339A>C (NM_001353961.2); short protein forms T363P.
Identifiers: ClinVar variation 429575 (VCV000429575.11), dbSNP rs1131691465, ClinGen allele CA349071283.

ClinVar aggregate classification (germline): Pathogenic/Likely pathogenic. Review status: criteria provided, multiple submitters, no conflicts (2 of 4 stars). 2 submissions from 2 submitters: Pathogenic (1); Likely pathogenic (1). Last evaluated 2020-07-24.

Conditions:
Early-infantile DEE. Also called: Early infantile epileptic encephalopathy; Ohtahara syndrome; Early infantile epileptic encephalopathy with suppression bursts. Identifiers: Orphanet 1934, MedGen C0393706, MONDO:0800491.

Submissions (2):

Labcorp Genetics (formerly Invitae), Labcorp
Classification: Pathogenic for Early-infantile DEE. Last evaluated: 2020-07-24. Review status: criteria provided, single submitter. Criteria: Invitae Variant Classification Sherloc (09022015). Collection method: clinical testing. Allele origin: germline.
Comment: For these reasons, this variant has been classified as Pathogenic. This variant disrupts the p.Thr363 amino acid residue in SCN1A. Other variant(s) that disrupt this residue have been determined to be pathogenic (PMID: 21248271, 24679980). This suggests that this residue is clinically significant, and that variants that disrupt this residue are likely to be disease-causing. Advanced modeling of protein sequence and biophysical properties (such as structural, functional, and spatial information, amino acid conservation, physicochemical variation, residue mobility, and thermodynamic stability) performed at Invitae indicates that this missense variant is expected to disrupt SCN1A protein function. This variant has been observed in individual(s) with severe myoclonic epilepsy of infancy (PMID: 23195492). ClinVar contains an entry for this variant (Variation ID: 429575). This variant is not present in population databases (ExAC no frequency). This sequence change replaces threonine with proline at codon 363 of the SCN1A protein (p.Thr363Pro). The threonine residue is highly conserved and there is a small physicochemical difference between threonine and proline.

GeneDx
Classification: Likely pathogenic. Last evaluated: 2015-09-24. Review status: criteria provided, single submitter. Criteria: GeneDx Variant Classification (06012015). Collection method: clinical testing. Allele origin: germline. Affected: yes.
Comment: The T363P variant has been reported previously in an individual with severe myoclonic epilepsy of infancy; however, information about parental testing was not provided (Wang et al., 2012). It was not observed in approximately 6,500 individuals of European and African American ancestry in the NHLBI Exome Sequencing Project, indicating it is not a common benign variant in these populations. The T363P variant is a non-conservative amino acid substitution, which is likely to impact secondary protein structure as these residues differ in polarity, charge, size and/or other properties. This substitution alters at a highly conserved position predicted to be within the extracellular loop between the transmembrane segments S5 and S6 of the first homologous domain of the SCN1A protein. Additionally, in silico analysis predicts this variant is probably damaging to the protein structure/function. Furthermore, missense pathogenic variants in nearby residues (P358S/T, N359T/I, D366E) have been reported in the Human Gene Mutation Database in association with SCN1A-related disorders (Stenson et al., 2014), supporting the functional importance of this region of the protein. Therefore, this variant is likely pathogenic; however, the possibility that it is benign cannot be excluded.

Literature cited by the submitters: PubMed 21248271 (cited by Labcorp Genetics (formerly Invitae), Labcorp); PubMed 24679980 (cited by Labcorp Genetics (formerly Invitae), Labcorp); PubMed 23195492 (cited by Labcorp Genetics (formerly Invitae), Labcorp).